The following is an entry in ClinVar:

NC_000008.10:g.(?_10381459)_(10469152_?)del

Genes: PRSS51 (serine protease 51), PRSS55 (serine protease 55), RP1L1 (RP1 like 1). Cytogenetic location: 8p23.1.
Variant type: Deletion.
Identifiers: ClinVar variation 3245618 (VCV003245618.1).

ClinVar aggregate classification (germline): Uncertain significance (1 of 4 stars; one submission).

Submission:

Labcorp Genetics (formerly Invitae), Labcorp
Classification: Uncertain significance. Last evaluated: 2023-01-12. Review status: criteria provided, single submitter. Criteria: Invitae Variant Classification Sherloc (09022015). Collection method: clinical testing. Allele origin: unknown.
Comment: In summary, the available evidence is currently insufficient to determine the role of this variant in disease. Therefore, it has been classified as a Variant of Uncertain Significance. Experimental studies and prediction algorithms are not available or were not evaluated, and the functional significance of this variant is currently unknown. This variant has not been reported in the literature in individuals affected with RP1L1-related conditions. This variant results in the deletion of part of exon 4 (c.2456_*82946del) of the RP1L1 gene. While this deletion is not anticipated to lead to nonsense mediated decay, it is expected to alter mRNA translation or result in a truncated protein product.